The following is an entry in ClinVar:

ClinVar aggregate classification (germline): Uncertain significance. Review status: criteria provided, multiple submitters, no conflicts (2 of 4 stars). 3 submissions from 3 submitters: Uncertain significance (3). Last evaluated 2025-08-18.

Conditions:
Hereditary cancer-predisposing syndrome. Also called: Tumor predisposition; Hereditary neoplastic syndrome; Neoplastic Syndromes, Hereditary; Hereditary Cancer Syndrome. Identifiers: Orphanet 140162, MedGen C0027672, MeSH D009386, MONDO:0015356.
Ataxia-telangiectasia syndrome (AT). Also called: Cerebello-oculocutaneous telangiectasia; Immunodeficiency with ataxia telangiectasia; LOUIS-BAR SYNDROME; AT, COMPLEMENTATION GROUP C; ATAXIA-TELANGIECTASIA, COMPLEMENTATION GROUP A; ATAXIA-TELANGIECTASIA, FRESNO VARIANT. Identifiers: Orphanet 100, MedGen C0004135, MONDO:0008840, OMIM 208900.

Submissions (3):

Labcorp Genetics (formerly Invitae), Labcorp
Classification: Uncertain significance for Ataxia-telangiectasia syndrome. Last evaluated: 2025-08-18. Review status: criteria provided, single submitter. Criteria: Invitae Variant Classification Sherloc (09022015). Collection method: clinical testing. Allele origin: germline.
Comment: This sequence change replaces aspartic acid, which is acidic and polar, with glutamic acid, which is acidic and polar, at codon 130 of the ATM protein (p.Asp130Glu). This variant is not present in population databases (gnomAD no frequency). This variant has not been reported in the literature in individuals affected with ATM-related conditions. ClinVar contains an entry for this variant (Variation ID: 941827). Invitae Evidence Modeling of protein sequence and biophysical properties (such as structural, functional, and spatial information, amino acid conservation, physicochemical variation, residue mobility, and thermodynamic stability) indicates that this missense variant is not expected to disrupt ATM protein function with a negative predictive value of 95%. In summary, the available evidence is currently insufficient to determine the role of this variant in disease. Therefore, it has been classified as a Variant of Uncertain Significance.

Ambry Genetics
Classification: Uncertain significance for Hereditary cancer-predisposing syndrome. Last evaluated: 2023-09-04. Review status: criteria provided, single submitter. Criteria: Ambry Variant Classification Scheme 2023. Collection method: clinical testing. Allele origin: germline.
Comment: The p.D130E variant (also known as c.390T>A), located in coding exon 4 of the ATM gene, results from a T to A substitution at nucleotide position 390. The aspartic acid at codon 130 is replaced by glutamic acid, an amino acid with highly similar properties. This amino acid position is well conserved in available vertebrate species. In addition, this alteration is predicted to be tolerated by in silico analysis. Since supporting evidence is limited at this time, the clinical significance of this alteration remains unclear.

GeneDx
Classification: Uncertain significance. Last evaluated: 2022-10-27. Review status: criteria provided, single submitter. Criteria: GeneDx Variant Classification Process June 2021. Collection method: clinical testing. Allele origin: germline. Affected: yes.
Comment: Not observed at significant frequency in large population cohorts (gnomAD); In silico analysis supports that this missense variant does not alter protein structure/function; Has not been previously published as pathogenic or benign to our knowledge

NM_000051.4(ATM):c.390T>A (p.Asp130Glu)

Gene: ATM (ATM serine/threonine kinase; plus strand). Cytogenetic location: 11q22.3.
Variant type: single nucleotide variant.
Coding change: c.390T>A on transcript NM_000051.4 (MANE Select); coding-DNA position 390, T replaced by A.
Protein change: p.Asp130Glu; replaces aspartic acid 130 with glutamic acid.
Molecular consequence: missense variant.
Genome position (GRCh38, 1-based): chr11:108,235,728, T>A. VCF-style: chr11-108235728-T-A. GRCh37 (hg19) VCF-style: chr11-108106455-T-A.
Other names: c.390T>A, p.Asp130Glu (NM_001351834.2); short protein forms D130E.
Identifiers: ClinVar variation 941827 (VCV000941827.13), dbSNP rs1565356801, ClinGen allele CA382524869.